The following is an entry in ClinVar:

ClinVar aggregate classification (germline): Uncertain significance (1 of 4 stars; one submission).

Conditions:
Lethal multiple pterygium syndrome (LMPS). Identifiers: Orphanet 33108, MedGen C1854678, MONDO:0009668, OMIM 253290.

gnomAD v4.1: 1 of 1,614,098 alleles (0.000062%); highest among the groups gnomAD compares: Non-Finnish European, 0.000085%; no homozygotes.

Submission:

Labcorp Genetics (formerly Invitae), Labcorp
Classification: Uncertain significance for Lethal multiple pterygium syndrome. Last evaluated: 2022-07-06. Review status: criteria provided, single submitter. Criteria: Invitae Variant Classification Sherloc (09022015). Collection method: clinical testing. Allele origin: germline.
Comment: This sequence change replaces valine, which is neutral and non-polar, with glutamic acid, which is acidic and polar, at codon 445 of the CHRNA1 protein (p.Val445Glu). In summary, the available evidence is currently insufficient to determine the role of this variant in disease. Therefore, it has been classified as a Variant of Uncertain Significance. Advanced modeling of protein sequence and biophysical properties (such as structural, functional, and spatial information, amino acid conservation, physicochemical variation, residue mobility, and thermodynamic stability) performed at Invitae indicates that this missense variant is expected to disrupt CHRNA1 protein function. ClinVar contains an entry for this variant (Variation ID: 1449997). This variant has not been reported in the literature in individuals affected with CHRNA1-related conditions. This variant is not present in population databases (gnomAD no frequency).

NM_000079.4(CHRNA1):c.1334T>A (p.Val445Glu)

Gene: CHRNA1 (cholinergic receptor nicotinic alpha 1 subunit; minus strand). Cytogenetic location: 2q31.1.
Variant type: single nucleotide variant.
Coding change: c.1334T>A on transcript NM_000079.4 (MANE Select); coding-DNA position 1334, T replaced by A.
Protein change: p.Val445Glu; replaces valine 445 with glutamic acid.
Molecular consequence: missense variant.
Genome position (GRCh38, 1-based): chr2:174,748,164, A>T on the plus strand (T>A on the coding strand, the complement: CHRNA1 is on the minus strand). VCF-style: chr2-174748164-A-T. GRCh37 (hg19) VCF-style: chr2-175612892-A-T.
Other names: c.1409T>A, p.Val470Glu (NM_001039523.3); short protein forms V445E, V470E.
Identifiers: ClinVar variation 1449997 (VCV001449997.6), dbSNP rs1304235259, ClinGen allele CA349333225.